The following is an entry in ClinVar:

NM_000137.4(FAH):c.606+1G>A

Gene: FAH (fumarylacetoacetate hydrolase; plus strand). Cytogenetic location: 15q25.1.
Variant type: single nucleotide variant.
Coding change: c.606+1G>A on transcript NM_000137.4 (MANE Select); the canonical splice donor site of the intron after coding-DNA position 606, G replaced by A.
Molecular consequence: splice donor variant.
Genome position (GRCh38, 1-based): chr15:80,168,317, G>A. VCF-style: chr15-80168317-G-A. GRCh37 (hg19) VCF-style: chr15-80460659-G-A.
Other names: c.606+1G>A (NM_001374377.1, NM_001374380.1).
Identifiers: ClinVar variation 851025 (VCV000851025.10), dbSNP rs773450608, ClinGen allele CA393620112.
Genomic context (GRCh38, chr15:80,168,317, plus strand): 5'-ATTCCAGCTAAGCCTCCCGTATATGGTGCCTGCAAGCTCTTGGACATGGAGCTGGAAATG[G>A]TAAGTGAGCTTGATGTTTTATTGCCATGGGATCTATAGACACCCGGCAGGAGAGCCCTTT-3'

ClinVar aggregate classification (germline): Likely pathogenic. Review status: criteria provided, multiple submitters, no conflicts (2 of 4 stars). 3 submissions from 3 submitters: Likely pathogenic (3). Last evaluated 2023-12-09.

Conditions:
Tyrosinemia type I (TYRSN1). Also called: Tyrosinemia type 1; Fumarylacetoacetase deficiency; HEPATORENAL TYROSINEMIA; Deficiency of fumarylacetoacetase; FAH DEFICIENCY. Identifiers: Orphanet 882, MedGen C0268490, MONDO:0010161, OMIM 276700. Disease mechanism: loss of function.
FAH-related disorders.

gnomAD v4.1: 2 of 1,612,206 alleles (0.00012%); highest among the groups gnomAD compares: Non-Finnish European, 0.00017%; no homozygotes.

Submissions (3):

Labcorp Genetics (formerly Invitae), Labcorp
Classification: Likely pathogenic for Tyrosinemia type I. Last evaluated: 2023-12-09. Review status: criteria provided, single submitter. Criteria: Invitae Variant Classification Sherloc (09022015). Collection method: clinical testing. Allele origin: germline.
Comment: This sequence change affects a donor splice site in intron 7 of the FAH gene. It is expected to disrupt RNA splicing. Variants that disrupt the donor or acceptor splice site typically lead to a loss of protein function (PMID: 16199547), and loss-of-function variants in FAH are known to be pathogenic (PMID: 9101289, 9633815). This variant is not present in population databases (gnomAD no frequency). This variant has not been reported in the literature in individuals affected with FAH-related conditions. ClinVar contains an entry for this variant (Variation ID: 851025). Algorithms developed to predict the effect of sequence changes on RNA splicing suggest that this variant may disrupt the consensus splice site. In summary, the currently available evidence indicates that the variant is pathogenic, but additional data are needed to prove that conclusively. Therefore, this variant has been classified as Likely Pathogenic.

Fulgent Genetics
Classification: Likely pathogenic for Tyrosinemia type I. Last evaluated: 2021-08-03. Review status: criteria provided, single submitter. Criteria: ACMG Guidelines, 2015. Collection method: clinical testing. Allele origin: unknown.

Blueprint Genetics
Classification: Likely pathogenic for FAH-related disorders. Last evaluated: 2020-05-26. Review status: criteria provided, single submitter. Criteria: ACMG Guidelines, 2015. Collection method: clinical testing. Allele origin: germline. Affected: yes. Observed: 1 variant allele.

Literature cited by the submitters: PubMed 16199547 (cited by Labcorp Genetics (formerly Invitae), Labcorp); PubMed 9101289 (cited by Labcorp Genetics (formerly Invitae), Labcorp); PubMed 9633815 (cited by Labcorp Genetics (formerly Invitae), Labcorp).